The following is an entry in ClinVar:

NM_021008.4(DEAF1):c.1150C>T (p.Pro384Ser)

Gene: DEAF1 (DEAF1 transcription factor; minus strand). Cytogenetic location: 11p15.5.
Variant type: single nucleotide variant.
Coding change: c.1150C>T on transcript NM_021008.4 (MANE Select); coding-DNA position 1150, C replaced by T.
Protein change: p.Pro384Ser; replaces proline 384 with serine.
Molecular consequence: missense variant.
Genome position (GRCh38, 1-based): chr11:678,799, G>A on the plus strand (C>T on the coding strand, the complement: DEAF1 is on the minus strand). VCF-style: chr11-678799-G-A. GRCh37 (hg19) VCF-style: chr11-678799-G-A.
Other names: c.883C>T, p.Pro295Ser (NM_001293634.2); c.424C>T, p.Pro142Ser (NM_001367390.1); short protein forms P295S, P384S, P142S.
Identifiers: ClinVar variation 2113974 (VCV002113974.4), dbSNP rs1860196227, ClinGen allele CA378925649.
Genomic context (GRCh38, chr11:678,799, plus strand): 5'-CGATCTGGCAGCTGTCCTGATAGCCGGGGTAGTGAGGCTCAGGGTGGCTGGCCCTGCATG[G>A]GGGCTGCACGCTGGCCTCTTGGACTGTTGGGGAGAAAAAGGACAGGGAGGCTCGGGATGG-3'
Protein context (NP_066288.2, residues 374-394): ATVQEASVQP[Pro384Ser]CRASHPEPHY

ClinVar aggregate classification (germline): Uncertain significance (1 of 4 stars; one submission).

Allele frequency attached by ClinVar (database versions not stated): TOPMed below 0.00001.

Submission:

Labcorp Genetics (formerly Invitae), Labcorp
Classification: Uncertain significance. Last evaluated: 2022-07-23. Review status: criteria provided, single submitter. Criteria: Invitae Variant Classification Sherloc (09022015). Collection method: clinical testing. Allele origin: germline.
Comment: This variant has not been reported in the literature in individuals affected with DEAF1-related conditions. This variant is not present in population databases (gnomAD no frequency). This sequence change replaces proline, which is neutral and non-polar, with serine, which is neutral and polar, at codon 384 of the DEAF1 protein (p.Pro384Ser). In summary, the available evidence is currently insufficient to determine the role of this variant in disease. Therefore, it has been classified as a Variant of Uncertain Significance. Algorithms developed to predict the effect of missense changes on protein structure and function output the following: SIFT: "Deleterious"; PolyPhen-2: "Benign"; Align-GVGD: "Class C0". The serine amino acid residue is found in multiple mammalian species, which suggests that this missense change does not adversely affect protein function.